The following is an entry in ClinVar:

NM_000081.4(LYST):c.2755_2773del (p.Ser919fs)

Gene: LYST (lysosomal trafficking regulator; minus strand). Cytogenetic location: 1q42.3.
Variant type: Deletion.
Coding change: c.2755_2773del on transcript NM_000081.4 (MANE Select); coding-DNA positions 2755 to 2773, 19 bases deleted (TCGGCCAATGACTCAGAAG).
Protein change: p.Ser919fs; shifts the reading frame from serine 919.
Molecular consequence: frameshift variant.
Genome position (GRCh38, 1-based): chr1:235,806,363-235,806,381, CTTCTGAGTCATTGGCCGA deleted on the plus strand (TCGGCCAATGACTCAGAAG on the coding strand, the reverse complement: LYST is on the minus strand); deleting any 19 consecutive bases within chr1:235,806,363-235,806,383 gives the same sequence; the c. name uses the placement nearest the transcript's 3' end. VCF-style (leftmost placement, unchanged base first): chr1-235806362-TCTTCTGAGTCATTGGCCGA-T. GRCh37 (hg19) VCF-style: chr1-235969662-TCTTCTGAGTCATTGGCCGA-T.
Other names: c.2755_2773del, p.Ser919fs (NM_001301365.1); short protein forms S919fs.
Identifiers: ClinVar variation 2284041 (VCV002284041.2), dbSNP rs2527080172, ClinGen allele CA2580062471.
Genomic context (GRCh38, chr1:235,806,362, plus strand): 5'-GATATACATGGCAGCATATGACTTAAAGGCTCGCTGGCTGTGCTGTCATAGCCAGAAGTA[TCTTCTGAGTCATTGGCCGA>T]CTCCCTGTCAGACTCTGCTTCTTTACTTACGCATAAAAAAGCCACACAGAGGAATAGGTT-3'

ClinVar aggregate classification (germline): Pathogenic (1 of 4 stars; one submission).

Conditions:
Inborn genetic diseases. Identifiers: MedGen C0950123, MeSH D030342.

Submission:

Ambry Genetics
Classification: Pathogenic for Inborn genetic diseases. Last evaluated: 2022-05-15. Review status: criteria provided, single submitter. Criteria: Ambry Variant Classification Scheme 2023. Collection method: clinical testing. Allele origin: germline.
Comment: The c.2755_2773del19 (p.S919Ifs*13) alteration, located in exon 6 (coding exon 4) of the LYST gene, consists of a deletion of 19 nucleotides from position 2755 to 2773, causing a translational frameshift with a predicted alternate stop codon after 13 amino acids. This alteration is expected to result in loss of function by premature protein truncation or nonsense-mediated mRNA decay. This variant was not reported in population-based cohorts in the Genome Aggregation Database (gnomAD). Based on the available evidence, this alteration is classified as pathogenic.